The following is an entry in ClinVar:

ClinVar aggregate classification (germline): Uncertain significance (1 of 4 stars; one submission).

gnomAD v4.1: 20 of 1,606,188 alleles (0.0012%); highest among the groups gnomAD compares: Middle Eastern, 0.017%; no homozygotes.

Submission:

Ambry Genetics
Classification: Uncertain significance. Last evaluated: 2024-10-05. Review status: criteria provided, single submitter. Criteria: Ambry Variant Classification Scheme 2023. Collection method: clinical testing. Allele origin: germline.
Comment: The p.E1856K variant (also known as c.5566G>A), located in coding exon 22 of the WNK2 gene, results from a G to A substitution at nucleotide position 5566. The glutamic acid at codon 1856 is replaced by lysine, an amino acid with similar properties. This amino acid position is conserved. In addition, this alteration is predicted to be tolerated by in silico analysis. Based on the available evidence, the clinical significance of this variant remains unclear.

NM_006648.4(WNK2):c.5566G>A (p.Glu1856Lys)

Gene: WNK2 (WNK lysine deficient protein kinase 2; plus strand). Cytogenetic location: 9q22.31.
Variant type: single nucleotide variant.
Coding change: c.5566G>A on transcript NM_006648.4 (MANE Select); coding-DNA position 5566, G replaced by A.
Protein change: p.Glu1856Lys; replaces glutamic acid 1856 with lysine.
Molecular consequence: missense variant.
Genome position (GRCh38, 1-based): chr9:93,293,031, G>A. VCF-style: chr9-93293031-G-A. GRCh37 (hg19) VCF-style: chr9-96055313-G-A.
Other names: c.5677G>A, p.Glu1893Lys (NM_001282394.3); short protein forms E1856K, E1893K.
Identifiers: ClinVar variation 3470103 (VCV003470103.1).